The following is an entry in ClinVar:

ClinVar aggregate classification (germline): Uncertain significance (1 of 4 stars; one submission).

Conditions:
Joubert syndrome. Also called: CEREBELLOPARENCHYMAL DISORDER IV; JOUBERT-BOLTSHAUSER SYNDROME; Familial aplasia of the vermis. Identifiers: Orphanet 475, MedGen C5979921, MONDO:0018772.

Submission:

Labcorp Genetics (formerly Invitae), Labcorp
Classification: Uncertain significance for Joubert syndrome. Last evaluated: 2021-09-24. Review status: criteria provided, single submitter. Criteria: Invitae Variant Classification Sherloc (09022015). Collection method: clinical testing. Allele origin: germline.
Comment: This sequence change replaces leucine with valine at codon 1059 of the AHI1 protein (p.Leu1059Val). The leucine residue is moderately conserved and there is a small physicochemical difference between leucine and valine. This variant is not present in population databases (ExAC no frequency). This variant has not been reported in the literature in individuals with AHI1-related conditions. Algorithms developed to predict the effect of missense changes on protein structure and function are either unavailable or do not agree on the potential impact of this missense change (SIFT: "Deleterious"; PolyPhen-2: "Probably Damaging"; Align-GVGD: "Class C0"). In summary, the available evidence is currently insufficient to determine the role of this variant in disease. Therefore, it has been classified as a Variant of Uncertain Significance.

NM_001134831.2(AHI1):c.3175C>G (p.Leu1059Val)

Gene: AHI1 (Abelson helper integration site 1; minus strand). Cytogenetic location: 6q23.3.
Variant type: single nucleotide variant.
Coding change: c.3175C>G on transcript NM_001134831.2 (MANE Select); coding-DNA position 3175, C replaced by G.
Protein change: p.Leu1059Val; replaces leucine 1059 with valine.
Molecular consequence: missense variant.
Genome position (GRCh38, 1-based): chr6:135,323,315, G>C on the plus strand (C>G on the coding strand, the complement: AHI1 is on the minus strand). VCF-style: chr6-135323315-G-C. GRCh37 (hg19) VCF-style: chr6-135644453-G-C.
Other names: c.3175C>G, p.Leu1059Val (NM_001134830.2, NM_001350503.2, NM_001350504.2 and 1 more transcripts); short protein forms L1059V.
Identifiers: ClinVar variation 1405780 (VCV001405780.5), dbSNP rs1583719768, ClinGen allele CA365845862.